The following is an entry in ClinVar:

NM_199420.4(POLQ):c.3986A>G (p.Glu1329Gly)

Gene: POLQ (DNA polymerase theta; minus strand). Cytogenetic location: 3q13.33.
Variant type: single nucleotide variant.
Coding change: c.3986A>G on transcript NM_199420.4 (MANE Select); coding-DNA position 3986, A replaced by G.
Protein change: p.Glu1329Gly; replaces glutamic acid 1329 with glycine.
Molecular consequence: missense variant.
Genome position (GRCh38, 1-based): chr3:121,488,945, T>C on the plus strand (A>G on the coding strand, the complement: POLQ is on the minus strand). VCF-style: chr3-121488945-T-C. GRCh37 (hg19) VCF-style: chr3-121207792-T-C.
Other names: short protein forms E1329G.
Identifiers: ClinVar variation 1736729 (VCV001736729.2), dbSNP rs768390736, ClinGen allele CA2562975.
Genomic context (GRCh38, chr3:121,488,945, plus strand): 5'-AGGTTGGTGTCCTTTGCTCCTAGTTTGGCATTTTCAGTTGCCATCTGTTGTATTATTTTC[T>C]CTGACTGAGTATCCAGATAGAAACTATCTTCAAAATCACAGAGGACTAAACCTAAGTCAG-3'
Protein context (NP_955452.3, residues 1319-1339): EDSFYLDTQS[Glu1329Gly]KIIQQMATEN

ClinVar aggregate classification (germline): Uncertain significance (1 of 4 stars; one submission).

Allele frequency attached by ClinVar (database versions not stated): gnomAD exomes below 0.00001; ExAC 0.00001.
gnomAD v4.1: 4 of 1,614,134 alleles (0.00025%); highest among the groups gnomAD compares: Non-Finnish European, 0.00034%; no homozygotes.

Submission:

Ambry Genetics
Classification: Uncertain significance. Last evaluated: 2022-08-30. Review status: criteria provided, single submitter. Criteria: Ambry Variant Classification Scheme 2023. Collection method: clinical testing. Allele origin: germline.
Comment: The p.E1329G variant (also known as c.3986A>G), located in coding exon 16 of the POLQ gene, results from an A to G substitution at nucleotide position 3986. The glutamic acid at codon 1329 is replaced by glycine, an amino acid with similar properties. This amino acid position is conserved. In addition, this alteration is predicted to be tolerated by in silico analysis. Since supporting evidence is limited at this time, the clinical significance of this alteration remains unclear.